The following is an entry in ClinVar:

ClinVar aggregate classification (germline): Uncertain significance (1 of 4 stars; one submission).

Conditions:
Hereditary cancer-predisposing syndrome. Also called: Neoplastic Syndromes, Hereditary; Tumor predisposition; Hereditary Cancer Syndrome; Hereditary neoplastic syndrome. Identifiers: Orphanet 140162, MedGen C0027672, MeSH D009386, MONDO:0015356.

Submission:

Ambry Genetics
Classification: Uncertain significance for Hereditary cancer-predisposing syndrome. Last evaluated: 2026-02-16. Review status: criteria provided, single submitter. Criteria: Ambry Variant Classification Scheme 2023. Collection method: clinical testing. Allele origin: germline.
Comment: The p.A76G variant (also known as c.227C>G), located in coding exon 3 of the SDHA gene, results from a C to G substitution at nucleotide position 227. The alanine at codon 76 is replaced by glycine, an amino acid with similar properties. This amino acid position is conserved. In addition, this alteration is predicted to be deleterious by in silico analysis. Based on the available evidence, the clinical significance of this variant remains unclear.

NM_004168.4(SDHA):c.227C>G (p.Ala76Gly)

Gene: SDHA (succinate dehydrogenase complex flavoprotein subunit A; plus strand). Cytogenetic location: 5p15.33.
Variant type: single nucleotide variant.
Coding change: c.227C>G on transcript NM_004168.4 (MANE Select); coding-DNA position 227, C replaced by G.
Protein change: p.Ala76Gly; replaces alanine 76 with glycine.
Molecular consequence: missense variant.
Genome position (GRCh38, 1-based): chr5:224,436, C>G. VCF-style: chr5-224436-C-G. GRCh37 (hg19) VCF-style: chr5-224551-C-G.
Other names: c.227C>G, p.Ala76Gly (NM_001294332.2, NM_001330758.2); short protein forms A76G.
Identifiers: ClinVar variation 2452801 (VCV002452801.3), dbSNP rs1734888838, ClinGen allele CA359008524.